The following is an entry in ClinVar:

ClinVar aggregate classification (germline): Uncertain significance. Review status: criteria provided, multiple submitters, no conflicts (2 of 4 stars). 2 submissions from 2 submitters: Uncertain significance (2). Last evaluated 2024-05-12.

Conditions:
Hereditary cancer-predisposing syndrome. Also called: Hereditary neoplastic syndrome; Hereditary Cancer Syndrome; Tumor predisposition; Neoplastic Syndromes, Hereditary. Identifiers: Orphanet 140162, MedGen C0027672, MeSH D009386, MONDO:0015356.
Neuroblastoma, susceptibility to, 3. Also called: ALK-Related Neuroblastic Tumor Susceptibility. Identifiers: Orphanet 635, MedGen C2751681, MONDO:0013083, OMIM 613014.

gnomAD v4.1: 1 of 1,614,154 alleles (0.000062%); highest among the groups gnomAD compares: South Asian, 0.0011%; no homozygotes.

Submissions (2):

Labcorp Genetics (formerly Invitae), Labcorp
Classification: Uncertain significance for Neuroblastoma, susceptibility to, 3. Last evaluated: 2024-05-12. Review status: criteria provided, single submitter. Criteria: Invitae Variant Classification Sherloc (09022015). Collection method: clinical testing. Allele origin: germline.
Comment: This sequence change replaces arginine, which is basic and polar, with leucine, which is neutral and non-polar, at codon 557 of the ALK protein (p.Arg557Leu). This variant is not present in population databases (gnomAD no frequency). This variant has not been reported in the literature in individuals affected with ALK-related conditions. ClinVar contains an entry for this variant (Variation ID: 965945). An algorithm developed to predict the effect of missense changes on protein structure and function (PolyPhen-2) suggests that this variant is likely to be tolerated. In summary, the available evidence is currently insufficient to determine the role of this variant in disease. Therefore, it has been classified as a Variant of Uncertain Significance.

Ambry Genetics
Classification: Uncertain significance for Hereditary cancer-predisposing syndrome. Last evaluated: 2022-05-13. Review status: criteria provided, single submitter. Criteria: Ambry Variant Classification Scheme 2023. Collection method: clinical testing. Allele origin: germline.
Comment: The p.R557L variant (also known as c.1670G>T), located in coding exon 9 of the ALK gene, results from a G to T substitution at nucleotide position 1670. The arginine at codon 557 is replaced by leucine, an amino acid with dissimilar properties. This amino acid position is conserved. In addition, this alteration is predicted to be tolerated by in silico analysis. Since supporting evidence is limited at this time, the clinical significance of this alteration remains unclear.

NM_004304.5(ALK):c.1670G>T (p.Arg557Leu)

Gene: ALK (ALK receptor tyrosine kinase; minus strand). Cytogenetic location: 2p23.2.
Variant type: single nucleotide variant.
Coding change: c.1670G>T on transcript NM_004304.5 (MANE Select); coding-DNA position 1670, G replaced by T.
Protein change: p.Arg557Leu; replaces arginine 557 with leucine.
Molecular consequence: missense variant.
Genome position (GRCh38, 1-based): chr2:29,297,035, C>A on the plus strand (G>T on the coding strand, the complement: ALK is on the minus strand). VCF-style: chr2-29297035-C-A. GRCh37 (hg19) VCF-style: chr2-29519901-C-A.
Other names: short protein forms R557L.
Identifiers: ClinVar variation 965945 (VCV000965945.12), dbSNP rs200468507, ClinGen allele CA346466623.